The following is an entry in ClinVar:

NM_003545.4(H4C5):c.47dup (p.Ala16_Lys17insTer)

Genes: H4C5 (H4 clustered histone 5; plus strand), LOC129996027 (ATAC-STARR-seq lymphoblastoid active region 24208; plus strand). Cytogenetic location: 6p22.2.
Variant type: Duplication.
Coding change: c.47dup on transcript NM_003545.4 (MANE Select); coding-DNA position 47, one base duplicated (C; older notation c.47dupC).
Protein change: p.Ala16_Lys17insTer.
Molecular consequence: frameshift variant.
Genome position (GRCh38, 1-based): chr6:26,204,691, C duplicated. VCF-style (leftmost placement, unchanged base first): chr6-26204690-G-GC. GRCh37 (hg19) VCF-style: chr6-26204918-G-GC.
Identifiers: ClinVar variation 4891435 (VCV004891435.1).

ClinVar aggregate classification (germline): Uncertain significance (1 of 4 stars; one submission).

Submission:

GeneDx
Classification: Uncertain significance. Last evaluated: 2026-02-21. Review status: criteria provided, single submitter. Criteria: GeneDx Variant Classification Process June 2021. Collection method: clinical testing. Allele origin: germline.
Comment: Not observed at significant frequency in large population cohorts (gnomAD); Nonsense variant predicted to result in protein truncation as the last 87 amino acid(s) are lost; Has not been previously published as pathogenic or benign to our knowledge